The following is an entry in ClinVar:

NM_001103.4(ACTN2):c.536+6C>T

Gene: ACTN2 (actinin alpha 2; plus strand). Cytogenetic location: 1q43.
Variant type: single nucleotide variant.
Coding change: c.536+6C>T on transcript NM_001103.4 (MANE Select); 6 bases into the intron after coding-DNA position 536, C replaced by T.
Molecular consequence: intron variant.
Genome position (GRCh38, 1-based): chr1:236,726,026, C>T. VCF-style: chr1-236726026-C-T. GRCh37 (hg19) VCF-style: chr1-236889326-C-T.
Other names: c.-286+6C>T (NM_001278344.2); c.536+6C>T (NM_001278343.2).
Identifiers: ClinVar variation 966457 (VCV000966457.8), dbSNP rs771398006, ClinGen allele CA1472814.

ClinVar aggregate classification (germline): Uncertain significance (1 of 4 stars; one submission).

Conditions:
Primary familial hypertrophic cardiomyopathy (HCM). Identifiers: Orphanet 99739, MedGen C0949658, MeSH D024741, MONDO:0024573. Inheritance: Various modes of inheritance.
Dilated cardiomyopathy 1AA (CMD1AA). Also called: Cardiomyopathy, dilated, 1AA, with or without LVNC; CARDIOMYOPATHY, DILATED, 1AA, WITH OR WITHOUT LEFT VENTRICULAR NONCOMPACTION; CARDIOMYOPATHY, FAMILIAL HYPERTROPHIC, 23, WITH OR WITHOUT LEFT VENTRICULAR NONCOMPACTION. Identifiers: Orphanet 154, MedGen C2677338, MONDO:0012808, OMIM 612158.

Allele frequency attached by ClinVar (database versions not stated): TOPMed 0.00002.
gnomAD v4.1: 13 of 1,612,230 alleles (0.00081%); highest among the groups gnomAD compares: Non-Finnish European, 0.0011%; no homozygotes.

Submission:

Labcorp Genetics (formerly Invitae), Labcorp
Classification: Uncertain significance for Primary familial hypertrophic cardiomyopathy; Dilated cardiomyopathy 1AA. Last evaluated: 2023-06-17. Review status: criteria provided, single submitter. Criteria: Invitae Variant Classification Sherloc (09022015). Collection method: clinical testing. Allele origin: germline.
Comment: In summary, the available evidence is currently insufficient to determine the role of this variant in disease. Therefore, it has been classified as a Variant of Uncertain Significance. Variants that disrupt the consensus splice site are a relatively common cause of aberrant splicing (PMID: 17576681, 9536098). Algorithms developed to predict the effect of sequence changes on RNA splicing suggest that this variant may create or strengthen a splice site. ClinVar contains an entry for this variant (Variation ID: 966457). This variant has not been reported in the literature in individuals affected with ACTN2-related conditions. This variant is present in population databases (rs771398006, gnomAD 0.0009%). This sequence change falls in intron 5 of the ACTN2 gene. It does not directly change the encoded amino acid sequence of the ACTN2 protein. It affects a nucleotide within the consensus splice site.

Literature cited by the submitters: PubMed 17576681; PubMed 9536098.